The following is an entry in ClinVar:

ClinVar aggregate classification (germline): Likely benign (1 of 4 stars; one submission).

gnomAD v4.1: 60 of 1,042,156 alleles (0.0058%); highest among the groups gnomAD compares: Admixed American, 0.15%; no homozygotes.

Submission:

CeGaT Center for Human Genetics Tuebingen
Classification: Likely benign. Last evaluated: 2026-06-01. Review status: criteria provided, single submitter. Criteria: CeGaT Center For Human Genetics Tuebingen Variant Classification Criteria Version 2. Collection method: clinical testing. Allele origin: germline. Affected: yes. Observed: 1 variant allele.
Comment: FBRSL1: BP4, BP7

NM_001367871.1(FBRSL1):c.2782C>T (p.Leu928=)

Gene: FBRSL1 (fibrosin like 1; plus strand). Cytogenetic location: 12q24.33.
Variant type: single nucleotide variant.
Coding change: c.2782C>T on transcript NM_001367871.1 (MANE Select); coding-DNA position 2782, C replaced by T.
Protein change: p.Leu928=; no amino-acid change (leucine 928 retained).
Molecular consequence: synonymous variant.
Genome position (GRCh38, 1-based): chr12:132,583,551, C>T. VCF-style: chr12-132583551-C-T. GRCh37 (hg19) VCF-style: chr12-133160137-C-T.
Other names: c.2161C>T, p.Leu721= (NM_001382740.1); c.2911C>T, p.Leu971= (NM_001142641.2); c.2836C>T, p.Leu946= (NM_001382739.1).
Identifiers: ClinVar variation 4874180 (VCV004874180.2).